The following is an entry in ClinVar:

ClinVar aggregate classification (germline): Likely benign (0 of 4 stars; one submission).

Conditions:
PLXNA2-related disorder. Also called: PLXNA2-related condition.

Allele frequency attached by ClinVar (database versions not stated): gnomAD 0.00001; TOPMed 0.00002.
gnomAD v4.1: 3 of 1,613,628 alleles (0.00019%); highest among the groups gnomAD compares: Non-Finnish European, 0.00025%; no homozygotes.

Submission:

PreventionGenetics, part of Exact Sciences
Classification: Likely benign for PLXNA2-related condition. Last evaluated: 2023-03-21. Review status: no assertion criteria provided. Collection method: clinical testing. Allele origin: germline.
Comment: This variant is classified as likely benign based on ACMG/AMP sequence variant interpretation guidelines (Richards et al. 2015 PMID: 25741868, with internal and published modifications).

NM_025179.4(PLXNA2):c.5145C>T (p.Tyr1715=)

Gene: PLXNA2 (plexin A2; minus strand). Cytogenetic location: 1q32.2.
Variant type: single nucleotide variant.
Coding change: c.5145C>T on transcript NM_025179.4 (MANE Select); coding-DNA position 5145, C replaced by T.
Protein change: p.Tyr1715=; no amino-acid change (tyrosine 1715 retained).
Molecular consequence: synonymous variant.
Genome position (GRCh38, 1-based): chr1:208,031,670, G>A on the plus strand (C>T on the coding strand, the complement: PLXNA2 is on the minus strand). VCF-style: chr1-208031670-G-A. GRCh37 (hg19) VCF-style: chr1-208205015-G-A.
Identifiers: ClinVar variation 3046191 (VCV003046191.2), dbSNP rs987573329, ClinGen allele CA36688242.
Genomic context (GRCh38, chr1:208,031,670, plus strand): 5'-CCGCACATCTGTGTCATGGATGCTGTGCCTGTCTGCCTGCTCATCTAGGAAATCAAACAT[G>A]TACTTGATGGCCAGGGGGAGAGCGCTGCCCCGGTGCACAGTGCTGAACAAGGTCTCAAAC-3'
Protein context (NP_079455.3, residues 1705-1725): RGSALPLAIK[Tyr1715=]MFDFLDEQAD